The following is an entry in ClinVar:

ClinVar aggregate classification (germline): Likely benign; other. Review status: criteria provided, multiple submitters, no conflicts (2 of 4 stars). 5 submissions from 5 submitters: Likely benign (3). 1 of the submissions does not count toward it. Last evaluated 2024-07-01.

Conditions:
Thiopurine S-methyltransferase deficiency. Also called: THIOPURINES, POOR METABOLISM OF, 1; Thiopurine S methyltranferase deficiency; TPMT deficiency. Identifiers: MedGen C0342801, MONDO:0012503, OMIM 610460. Disease mechanism: loss of function.

Allele frequency attached by ClinVar (database versions not stated): ExAC 0.03669; gnomAD exomes 0.03673 and 0.04307; 1000 Genomes Project 0.03914; 1000 Genomes Project 30x 0.03966; gnomAD 0.04341 and 0.04459; TOPMed 0.04571.
gnomAD v4.1: 68,904 of 1,609,224 alleles (4.3%); highest among the groups gnomAD compares: African/African-American, 5.5%; 1,714 homozygotes.

Submissions (5):

CeGaT Center for Human Genetics Tuebingen
Classification: Likely benign. Last evaluated: 2024-07-01. Review status: criteria provided, single submitter. Criteria: CeGaT Center For Human Genetics Tuebingen Variant Classification Criteria Version 2. Collection method: clinical testing. Allele origin: germline. Affected: yes. Observed: 1 variant allele.
Comment: TPMT: PM5, BS1, BS2

GeneDx
Classification: Likely benign. Last evaluated: 2020-05-12. Review status: criteria provided, single submitter. Criteria: GeneDx Variant Classification Process June 2021. Collection method: clinical testing. Allele origin: germline. Affected: yes.
Comment: Also known as TPMT*3C, Y240C is one of the most common TPMT variants (Katara and Kuntal, 2015; Iu et al., 2017); Published functional studies demonstrate a damaging effect, as measurement of enzymatic activity showed only 10% activity for Y240C (Iu et al., 2017); Individuals who receive conventional thiopurine doses and carry at least one TPMT *3C allele are at risk to experience myelosuppression. Thiopurine dosing guidelines based on TPMT genotype are available (Relling et al., 2013); In silico analysis supports that this missense variant has a deleterious effect on protein structure/function; Observed on 3.7% (10506/282534 alleles) from individuals in large population cohorts (Lek et al., 2016); This variant is associated with the following publications: (PMID: 27703193, 8561894, 15967990, 10591545, 25087612, 9695718, 18482735, 20970225, 26410243, 28462921, 8644731, 23422873, 31130284)

Eurofins Ntd Llc (ga)
Classification: other. Last evaluated: 2015-07-21. Review status: criteria provided, single submitter. Criteria: EGL Classification Definitions 2015. Collection method: clinical testing. Allele origin: germline. Observed: 24 variant alleles, 24 heterozygotes.

Breakthrough Genomics
Classification: Likely benign. Review status: criteria provided, single submitter. Criteria: ACMG Guidelines, 2015. Collection method: not provided. Allele origin: germline. Inheritance: Autosomal recessive inheritance. Affected: yes.

OMIM
Classification: drug response for THIOPURINES, POOR METABOLISM OF, 1. Last evaluated: 2006-02-01. Review status: no assertion criteria provided. Collection method: literature only. Allele origin: germline. Not counted in ClinVar's aggregate classification.

Literature cited by the submitters: PubMed 9931345 (cited by OMIM); PubMed 8561894 (cited by OMIM); PubMed 9931346 (cited by OMIM); PubMed 10208641 (cited by OMIM); PubMed 10751626 (cited by OMIM); PubMed 16476125 (cited by OMIM); PubMed 15819814 (cited by OMIM).

NM_000367.5(TPMT):c.719A>G (p.Tyr240Cys)

Gene: TPMT (thiopurine S-methyltransferase; minus strand). Cytogenetic location: 6p22.3.
Variant type: single nucleotide variant.
Coding change: c.719A>G on transcript NM_000367.5 (MANE Select); coding-DNA position 719, A replaced by G.
Protein change: p.Tyr240Cys; replaces tyrosine 240 with cysteine.
Molecular consequence: missense variant.
Genome position (GRCh38, 1-based): chr6:18,130,687, T>C on the plus strand (A>G on the coding strand, the complement: TPMT is on the minus strand). VCF-style: chr6-18130687-T-C. GRCh37 (hg19) VCF-style: chr6-18130918-T-C.
Other names: TPMT*3C; 719A>G; c.719A>G, p.Tyr240Cys (NM_001346817.1); c.674A>G, p.Tyr225Cys (NM_001346818.1); short protein forms Y240C, Y225C.
Identifiers: ClinVar variation 12725 (VCV000012725.124), dbSNP rs1142345, ClinGen allele CA122646.